The following is an entry in ClinVar:

ClinVar aggregate classification (germline): Pathogenic (1 of 4 stars; one submission).

Conditions:
Giant axonal neuropathy 1 (GAN1). Also called: GIANT AXONAL NEUROPATHY 1, AUTOSOMAL RECESSIVE; GAN-Related Neurodegeneration. Identifiers: Orphanet 643, MedGen C1850386, MONDO:0009749, OMIM 256850.

Submission:

3billion
Classification: Pathogenic for Giant axonal neuropathy 1. Last evaluated: 2024-07-05. Review status: criteria provided, single submitter. Criteria: ACMG Guidelines, 2015. Collection method: clinical testing. Allele origin: germline. Affected: yes.
Comment: The variant is not observed in the gnomAD v4.0.0 dataset. Predicted Consequence/Location: Stop-gained (nonsense): predicted to result in a loss or disruption of normal protein function through nonsense-mediated decay (NMD) or protein truncation. Multiple pathogenic variants are reported downstream of the variant. Therefore, this variant is classified as Pathogenic according to the recommendation of ACMG/AMP guideline.

NM_022041.4(GAN):c.605G>A (p.Trp202Ter)

Gene: GAN (gigaxonin; plus strand). Cytogenetic location: 16q23.2.
Variant type: single nucleotide variant.
Coding change: c.605G>A on transcript NM_022041.4 (MANE Select); coding-DNA position 605, G replaced by A.
Protein change: p.Trp202Ter; replaces tryptophan 202 with a stop codon.
Molecular consequence: nonsense. On other transcripts: 5 prime UTR variant (1).
Genome position (GRCh38, 1-based): chr16:81,354,727, G>A. VCF-style: chr16-81354727-G-A. GRCh37 (hg19) VCF-style: chr16-81388332-G-A.
Other names: c.-35G>A (NM_001377486.1); short protein forms W202*.
Identifiers: ClinVar variation 4291901 (VCV004291901.1).